The following is an entry in ClinVar:

NM_006019.4(TCIRG1):c.929G>A (p.Ser310Asn)

Gene: TCIRG1 (T cell immune regulator 1, ATPase H+ transporting V0 subunit a3; plus strand). Cytogenetic location: 11q13.2.
Variant type: single nucleotide variant.
Coding change: c.929G>A on transcript NM_006019.4 (MANE Select); coding-DNA position 929, G replaced by A.
Protein change: p.Ser310Asn; replaces serine 310 with asparagine.
Molecular consequence: missense variant.
Genome position (GRCh38, 1-based): chr11:68,044,253, G>A. VCF-style: chr11-68044253-G-A. GRCh37 (hg19) VCF-style: chr11-67811720-G-A.
Other names: c.35G>A, p.Ser12Asn (NM_001351059.2); c.281G>A, p.Ser94Asn (NM_006053.4); short protein forms S94N, S12N, S310N.
Identifiers: ClinVar variation 1380686 (VCV001380686.5), dbSNP rs2134442123, ClinGen allele CA381580554.

ClinVar aggregate classification (germline): Uncertain significance (1 of 4 stars; one submission).

Submission:

Labcorp Genetics (formerly Invitae), Labcorp
Classification: Uncertain significance. Last evaluated: 2021-08-30. Review status: criteria provided, single submitter. Criteria: Invitae Variant Classification Sherloc (09022015). Collection method: clinical testing. Allele origin: germline.
Comment: This sequence change replaces serine with asparagine at codon 310 of the TCIRG1 protein (p.Ser310Asn). The serine residue is moderately conserved and there is a small physicochemical difference between serine and asparagine. This variant is not present in population databases (ExAC no frequency). This variant has not been reported in the literature in individuals affected with TCIRG1-related conditions. Algorithms developed to predict the effect of missense changes on protein structure and function are either unavailable or do not agree on the potential impact of this missense change (SIFT: "Tolerated"; PolyPhen-2: "Probably Damaging"; Align-GVGD: "Class C0"). In summary, the available evidence is currently insufficient to determine the role of this variant in disease. Therefore, it has been classified as a Variant of Uncertain Significance.